The following is an entry in ClinVar:

ClinVar aggregate classification (germline): Uncertain significance (1 of 4 stars; one submission).

Conditions:
Hereditary cancer-predisposing syndrome. Also called: Neoplastic Syndromes, Hereditary; Tumor predisposition; Hereditary Cancer Syndrome; Hereditary neoplastic syndrome. Identifiers: Orphanet 140162, MedGen C0027672, MeSH D009386, MONDO:0015356.

Submission:

Ambry Genetics
Classification: Uncertain significance for Hereditary cancer-predisposing syndrome. Last evaluated: 2026-08-04. Review status: criteria provided, single submitter. Criteria: Ambry Variant Classification Scheme 2023. Collection method: clinical testing. Allele origin: germline.
Comment: The c.527_528delTG variant, located in coding exon 1 of the MET gene, results from a deletion of two nucleotides at nucleotide positions 527 to 528, causing a translational frameshift with a predicted alternate stop codon (p.V176Gfs*60). This variant is expected to result in protein truncation or nonsense-mediated mRNA decay. However, loss of function has not been established as a mechanism of disease. Based on the available evidence, the clinical significance of this variant remains unclear.

NM_000245.4(MET):c.527_528del (p.Val176fs)

Gene: MET (MET proto-oncogene, receptor tyrosine kinase; plus strand). Cytogenetic location: 7q31.2.
Variant type: Microsatellite.
Coding change: c.527_528del on transcript NM_000245.4 (MANE Select); coding-DNA positions 527 to 528, 2 bases deleted (TG; older notation c.527_528delTG).
Protein change: p.Val176fs; shifts the reading frame from valine 176.
Molecular consequence: frameshift variant. On other transcripts: intron variant (1).
Genome position (GRCh38, 1-based): chr7:116,699,611-116,699,612, TG deleted; deleting any 2 consecutive bases within chr7:116,699,607-116,699,612 gives the same sequence; the c. name uses the placement nearest the transcript's 3' end. VCF-style (leftmost placement, unchanged base first): chr7-116699606-CTG-C. GRCh37 (hg19) VCF-style: chr7-116339660-CTG-C.
Other names: c.527_528delTG (NM_001127500.1); c.523_524TG[2], p.Val176Glyfs (NM_001127500.1); c.527_528del, p.Val176fs (NM_001127500.3, NM_001324401.3); c.-91+27030TG[2] (NM_001324402.2); short protein forms V176fs.
Identifiers: ClinVar variation 4053960 (VCV004053960.2).